The following is an entry in ClinVar:

ClinVar aggregate classification (germline): Uncertain significance. Review status: criteria provided, multiple submitters, no conflicts (2 of 4 stars). 2 submissions from 2 submitters: Uncertain significance (2). Last evaluated 2025-08-21.

Conditions:
Hereditary cancer-predisposing syndrome. Also called: Hereditary Cancer Syndrome; Hereditary neoplastic syndrome; Neoplastic Syndromes, Hereditary; Tumor predisposition. Identifiers: Orphanet 140162, MedGen C0027672, MeSH D009386, MONDO:0015356.
Parathyroid carcinoma (PRTC). Also called: CDC73-Related Parathyroid Carcinoma; Parathyroid gland carcinoma. Identifiers: Orphanet 143, MedGen C0687150, MONDO:0012004, OMIM 608266, HP:0006780.

Allele frequency attached by ClinVar (database versions not stated): gnomAD exomes below 0.00001; ExAC 0.00001.
gnomAD v4.1: 1 of 1,613,774 alleles (0.000062%); highest among the groups gnomAD compares: Admixed American, 0.0017%; no homozygotes.

Submissions (2):

Labcorp Genetics (formerly Invitae), Labcorp
Classification: Uncertain significance for Parathyroid carcinoma. Last evaluated: 2025-08-21. Review status: criteria provided, single submitter. Criteria: Invitae Variant Classification Sherloc (09022015). Collection method: clinical testing. Allele origin: germline.
Comment: This sequence change replaces aspartic acid, which is acidic and polar, with asparagine, which is neutral and polar, at codon 203 of the CDC73 protein (p.Asp203Asn). This variant is present in population databases (rs748060117, gnomAD 0.003%). This variant has not been reported in the literature in individuals affected with CDC73-related conditions. ClinVar contains an entry for this variant (Variation ID: 1751437). Invitae Evidence Modeling of protein sequence and biophysical properties (such as structural, functional, and spatial information, amino acid conservation, physicochemical variation, residue mobility, and thermodynamic stability) indicates that this missense variant is not expected to disrupt CDC73 protein function with a negative predictive value of 80%. In summary, the available evidence is currently insufficient to determine the role of this variant in disease. Therefore, it has been classified as a Variant of Uncertain Significance.

Ambry Genetics
Classification: Uncertain significance for Hereditary cancer-predisposing syndrome. Last evaluated: 2020-12-15. Review status: criteria provided, single submitter. Criteria: Ambry Variant Classification Scheme 2023. Collection method: clinical testing. Allele origin: germline.
Comment: The p.D203N variant (also known as c.607G>A), located in coding exon 7 of the CDC73 gene, results from a G to A substitution at nucleotide position 607. The aspartic acid at codon 203 is replaced by asparagine, an amino acid with highly similar properties. This amino acid position is highly conserved in available vertebrate species. In addition, this alteration is predicted to be tolerated by in silico analysis. Since supporting evidence is limited at this time, the clinical significance of this alteration remains unclear.

NM_024529.5(CDC73):c.607G>A (p.Asp203Asn)

Gene: CDC73 (cell division cycle 73; plus strand). Cytogenetic location: 1q31.2.
Variant type: single nucleotide variant.
Coding change: c.607G>A on transcript NM_024529.5 (MANE Select); coding-DNA position 607, G replaced by A.
Protein change: p.Asp203Asn; replaces aspartic acid 203 with asparagine.
Molecular consequence: missense variant.
Genome position (GRCh38, 1-based): chr1:193,141,944, G>A. VCF-style: chr1-193141944-G-A. GRCh37 (hg19) VCF-style: chr1-193111074-G-A.
Other names: short protein forms D203N.
Identifiers: ClinVar variation 1751437 (VCV001751437.5), dbSNP rs748060117, ClinGen allele CA1303423.
Genomic context (GRCh38, chr1:193,141,944, plus strand): 5'-GCTGCAATCAAAGCCAAAATTATGGCTAAGAAAAGATCTACTATCAAGACTGATCTAGAT[G>A]ATGACATAACTGCCCTTAAACAGAGGAGTTTTGTGGATGCTGAGGTAGATGTGACCCGAG-3'
Protein context (NP_078805.3, residues 193-213): KRSTIKTDLD[Asp203Asn]DITALKQRSF